The following is an entry in ClinVar:

ClinVar aggregate classification (germline): Conflicting classifications of pathogenicity. Review status: criteria provided, conflicting classifications (1 of 4 stars). 4 submissions from 4 submitters: Uncertain significance (2); Benign (1); Likely benign (1). Last evaluated 2025-10-02.

Conditions:
Emery-Dreifuss muscular dystrophy 5, autosomal dominant (EDMD5). Also called: EMERY-DREIFUSS MUSCULAR DYSTROPHY 5. Identifiers: Orphanet 261, MedGen C2751805, MONDO:0013072, OMIM 612999.

Allele frequency attached by ClinVar (database versions not stated): gnomAD exomes 0.00023; gnomAD 0.00027 and 0.00028; TOPMed 0.00029; ExAC 0.00030; ESP Exome Variant Server 0.00084.
gnomAD v4.1: 865 of 1,611,782 alleles (0.054%); highest among the groups gnomAD compares: Non-Finnish European, 0.069%; 3 homozygotes.

Submissions (4):

Labcorp Genetics (formerly Invitae), Labcorp
Classification: Uncertain significance for Emery-Dreifuss muscular dystrophy 5, autosomal dominant. Last evaluated: 2025-10-02. Review status: criteria provided, single submitter. Criteria: Invitae Variant Classification Sherloc (09022015). Collection method: clinical testing. Allele origin: germline.
Comment: This sequence change replaces aspartic acid, which is acidic and polar, with tyrosine, which is neutral and polar, at codon 415 of the SYNE2 protein (p.Asp415Tyr). This variant is present in population databases (rs200836164, gnomAD 0.04%), and has an allele count higher than expected for a pathogenic variant. This variant has not been reported in the literature in individuals affected with SYNE2-related conditions. ClinVar contains an entry for this variant (Variation ID: 855678). An algorithm developed to predict the effect of missense changes on protein structure and function (PolyPhen-2) suggests that this variant is likely to be disruptive. In summary, the available evidence is currently insufficient to determine the role of this variant in disease. Therefore, it has been classified as a Variant of Uncertain Significance.

CeGaT Center for Human Genetics Tuebingen
Classification: Likely benign. Last evaluated: 2022-03-01. Review status: criteria provided, single submitter. Criteria: CeGaT Center For Human Genetics Tuebingen Variant Classification Criteria Version 2. Collection method: clinical testing. Allele origin: germline. Affected: yes. Observed: 1 variant allele.
Comment: SYNE2: BP4, BS2

Revvity Omics, Revvity
Classification: Uncertain significance for Emery-Dreifuss muscular dystrophy 5, autosomal dominant. Last evaluated: 2019-08-08. Review status: criteria provided, single submitter. Criteria: ACMG Guidelines, 2015. Collection method: clinical testing. Allele origin: germline.

Illumina Laboratory Services, Illumina
Classification: Benign for Emery-Dreifuss muscular dystrophy 5, autosomal dominant. Last evaluated: 2018-01-12. Review status: criteria provided, single submitter. Criteria: ICSL Variant Classification Criteria 13 December 2019. Collection method: clinical testing. Allele origin: germline.
Comment: This variant was observed in the ICSL laboratory as part of a predisposition screen in an ostensibly healthy population. It had not been previously curated by ICSL or reported in the Human Gene Mutation Database (HGMD: prior to June 1st, 2018), and was therefore a candidate for classification through an automated scoring system. Utilizing variant allele frequency, disease prevalence and penetrance estimates, and inheritance mode, an automated score was calculated to assess if this variant is too frequent to cause the disease. Based on the score and internal cut-off values, a variant classified as benign is not then subjected to further curation. The score for this variant resulted in a classification of benign for this disease.

NM_182914.3(SYNE2):c.1243G>T (p.Asp415Tyr)

Gene: SYNE2 (spectrin repeat containing nuclear envelope protein 2; plus strand). Cytogenetic location: 14q23.2.
Variant type: single nucleotide variant.
Coding change: c.1243G>T on transcript NM_182914.3 (MANE Select); coding-DNA position 1243, G replaced by T.
Protein change: p.Asp415Tyr; replaces aspartic acid 415 with tyrosine.
Molecular consequence: missense variant.
Genome position (GRCh38, 1-based): chr14:63,976,677, G>T. VCF-style: chr14-63976677-G-T. GRCh37 (hg19) VCF-style: chr14-64443395-G-T.
Other names: c.1243G>T, p.Asp415Tyr (NM_015180.6); short protein forms D415Y.
Identifiers: ClinVar variation 855678 (VCV000855678.42), dbSNP rs200836164, ClinGen allele CA7219373.